The following is an entry in ClinVar:

NM_001366145.2(TRPM3):c.1411C>G (p.Arg471Gly)

Gene: TRPM3 (transient receptor potential cation channel subfamily M member 3; minus strand). Cytogenetic location: 9q21.12.
Variant type: single nucleotide variant.
Coding change: c.1411C>G on transcript NM_001366145.2 (MANE Select); coding-DNA position 1411, C replaced by G.
Protein change: p.Arg471Gly; replaces arginine 471 with glycine.
Molecular consequence: missense variant.
Genome position (GRCh38, 1-based): chr9:70,640,595, G>C on the plus strand (C>G on the coding strand, the complement: TRPM3 is on the minus strand). VCF-style: chr9-70640595-G-C. GRCh37 (hg19) VCF-style: chr9-73255511-G-C.
Other names: c.1411C>G, p.Arg471Gly (NM_001007471.4, NM_001366146.2, NM_001366149.2 and 2 more transcripts); c.1417C>G, p.Arg473Gly (NM_001366141.2, NM_001366142.2, NM_001366143.2); c.1486C>G, p.Arg496Gly (NM_001366147.2, NM_001366148.2, NM_001366152.2); c.1027C>G, p.Arg343Gly (NM_206946.5, NM_206947.5); c.952C>G, p.Arg318Gly (NM_001366154.2, NM_020952.6, NM_024971.7 and 2 more transcripts); short protein forms R318G, R343G, R471G, R473G, R496G.
Identifiers: ClinVar variation 4885123 (VCV004885123.2).
Genomic context (GRCh38, chr9:70,640,595, plus strand): 5'-TCATGGGAGACGATATATACTCTACCGGCCACTGTTGCCCGTAAATAAAGATCTGGCTGC[G>C]AGCGATGTCGACTCTGTTCCAGGCTAAAGCTAAGCTCAGTTGGTCTGGGGCCGAGGCATT-3'
Protein context (NP_001353074.1, residues 461-481): ALAWNRVDIA[Arg471Gly]SQIFIYGQQW

ClinVar aggregate classification (germline): Uncertain significance (1 of 4 stars; one submission).

gnomAD v4.1: 1 of 1,613,684 alleles (0.000062%); highest among the groups gnomAD compares: Admixed American, 0.0017%; no homozygotes.

Submission:

Dasa
Classification: Uncertain significance. Last evaluated: 2024-11-29. Review status: criteria provided, single submitter. Criteria: DASA Assertion Criteria. Collection method: clinical testing. Allele origin: germline.
Comment: NM_001366145.2(TRPM3):c.1411C>G (p.Arg471Gly) is a missense variant that results in the substitution of arginine with glycine. This variant is rare in population databases. The currently available literature and clinical evidence are not sufficient to establish a definitive association between this variant and the reported condition. Therefore, this variant is classified as a variant of uncertain significance.